The following is an entry in ClinVar:

ClinVar aggregate classification (germline): Uncertain significance. Review status: criteria provided, multiple submitters, no conflicts (2 of 4 stars). 4 submissions from 4 submitters: Uncertain significance (4). Last evaluated 2025-12-14.

Conditions:
Hereditary cancer-predisposing syndrome. Also called: Neoplastic Syndromes, Hereditary; Hereditary Cancer Syndrome; Tumor predisposition; Hereditary neoplastic syndrome. Identifiers: Orphanet 140162, MedGen C0027672, MeSH D009386, MONDO:0015356.
Oligodontia-cancer predisposition syndrome. Also called: TOOTH AGENESIS-COLORECTAL CANCER SYNDROME. Identifiers: Orphanet 300576, MedGen C1837750, MONDO:0012075, OMIM 608615. Disease mechanism: loss of function.
Colorectal cancer. Also called: Malignant Colorectal Neoplasm; Colorectal cancer, somatic. Identifiers: MedGen C0346629, MONDO:0005575, OMIM 114500.

Allele frequency attached by ClinVar (database versions not stated): gnomAD exomes below 0.00001; TOPMed below 0.00001.

Submissions (4):

Labcorp Genetics (formerly Invitae), Labcorp
Classification: Uncertain significance for Oligodontia-cancer predisposition syndrome. Last evaluated: 2025-12-14. Review status: criteria provided, single submitter. Criteria: Invitae Variant Classification Sherloc (09022015). Collection method: clinical testing. Allele origin: germline.
Comment: This sequence change replaces lysine, which is basic and polar, with arginine, which is basic and polar, at codon 147 of the AXIN2 protein (p.Lys147Arg). This variant is not present in population databases (gnomAD no frequency). This variant has not been reported in the literature in individuals affected with AXIN2-related conditions. ClinVar contains an entry for this variant (Variation ID: 572752). Invitae Evidence Modeling of protein sequence and biophysical properties (such as structural, functional, and spatial information, amino acid conservation, physicochemical variation, residue mobility, and thermodynamic stability) indicates that this missense variant is not expected to disrupt AXIN2 protein function with a negative predictive value of 80%. In summary, the available evidence is currently insufficient to determine the role of this variant in disease. Therefore, it has been classified as a Variant of Uncertain Significance.

Ambry Genetics
Classification: Uncertain significance for Hereditary cancer-predisposing syndrome. Last evaluated: 2025-10-23. Review status: criteria provided, single submitter. Criteria: Ambry Variant Classification Scheme 2023. Collection method: clinical testing. Allele origin: germline.
Comment: The p.K147R variant (also known as c.440A>G), located in coding exon 1 of the AXIN2 gene, results from an A to G substitution at nucleotide position 440. The lysine at codon 147 is replaced by arginine, an amino acid with highly similar properties. This amino acid position is well conserved in available vertebrate species; however, arginine is the reference amino acid in other vertebrate species. In addition, this alteration is predicted to be tolerated by in silico analysis. Since supporting evidence is limited at this time, the clinical significance of this alteration remains unclear.

GeneDx
Classification: Uncertain significance. Last evaluated: 2023-11-26. Review status: criteria provided, single submitter. Criteria: GeneDx Variant Classification Process June 2021. Collection method: clinical testing. Allele origin: germline. Affected: yes.
Comment: Not observed at significant frequency in large population cohorts (gnomAD); In silico analysis supports that this missense variant does not alter protein structure/function; Has not been previously published as pathogenic or benign to our knowledge; This variant is associated with the following publications: (PMID: 15735151)

Baylor Genetics
Classification: Uncertain significance for Colorectal cancer. Last evaluated: 2023-11-18. Review status: criteria provided, single submitter. Criteria: ACMG Guidelines, 2015. Collection method: clinical testing. Allele origin: unknown.

NM_004655.4(AXIN2):c.440A>G (p.Lys147Arg)

Gene: AXIN2 (axin 2; minus strand). Cytogenetic location: 17q24.1.
Variant type: single nucleotide variant.
Coding change: c.440A>G on transcript NM_004655.4 (MANE Select); coding-DNA position 440, A replaced by G.
Protein change: p.Lys147Arg; replaces lysine 147 with arginine.
Molecular consequence: missense variant.
Genome position (GRCh38, 1-based): chr17:65,558,181, T>C on the plus strand (A>G on the coding strand, the complement: AXIN2 is on the minus strand). VCF-style: chr17-65558181-T-C. GRCh37 (hg19) VCF-style: chr17-63554299-T-C.
Other names: c.440A>G (LRG_296t1); c.440A>G, p.Lys147Arg (NM_001363813.1); short protein forms K147R.
Identifiers: ClinVar variation 572752 (VCV000572752.17), dbSNP rs1567768991, ClinGen allele CA400681384.